The following is an entry in ClinVar:

ClinVar aggregate classification (germline): Uncertain significance (1 of 4 stars; one submission).

Conditions:
TSPEAR-related disorder. Also called: TSPEAR-related condition.

gnomAD v4.1: 19 of 1,613,970 alleles (0.0012%); highest among the groups gnomAD compares: East Asian, 0.0022%; no homozygotes.

Submission:

PreventionGenetics, part of Exact Sciences
Classification: Uncertain significance for TSPEAR-related condition. Last evaluated: 2026-07-05. Review status: criteria provided, single submitter. Criteria: ACMG Guidelines, 2015. Collection method: clinical testing. Allele origin: germline.
Comment: The TSPEAR c.1388G>A variant is predicted to result in the amino acid substitution p.Arg463Gln. To our knowledge, this variant has not been reported in the literature. This variant is reported in 0.0033% of alleles in individuals of South Asian descent in gnomAD. At this time, the clinical significance of this variant is uncertain due to the absence of conclusive functional and genetic evidence.

NM_144991.3(TSPEAR):c.1388G>A (p.Arg463Gln)

Gene: TSPEAR (thrombospondin type laminin G domain and EAR repeats; minus strand). Cytogenetic location: 21q22.3.
Variant type: single nucleotide variant.
Coding change: c.1388G>A on transcript NM_144991.3 (MANE Select); coding-DNA position 1388, G replaced by A.
Protein change: p.Arg463Gln; replaces arginine 463 with glutamine.
Molecular consequence: missense variant.
Genome position (GRCh38, 1-based): chr21:44,522,061, C>T on the plus strand (G>A on the coding strand, the complement: TSPEAR is on the minus strand). VCF-style: chr21-44522061-C-T. GRCh37 (hg19) VCF-style: chr21-45941944-C-T.
Other names: c.1184G>A, p.Arg395Gln (NM_001272037.2); short protein forms R463Q, R395Q.
Identifiers: ClinVar variation 4983994 (VCV004983994.1).